The following is an entry in ClinVar:

ClinVar aggregate classification (germline): Uncertain significance. Review status: criteria provided, multiple submitters, no conflicts (2 of 4 stars). 4 submissions from 4 submitters: Uncertain significance (4). Last evaluated 2025-05-30.

Conditions:
Nemaline myopathy 10 (NEM10). Identifiers: MedGen C4015360, MONDO:0014513, OMIM 616165.

Allele frequency attached by ClinVar (database versions not stated): ExAC 0.00014; ESP Exome Variant Server 0.00008; TOPMed 0.00019; gnomAD 0.00020 and 0.00017; 1000 Genomes Project 0.00040; gnomAD exomes 0.00018 and 0.00021.
gnomAD v4.1: 317 of 1,534,624 alleles (0.021%); highest among the groups gnomAD compares: Admixed American, 0.029%; 1 homozygote.

Submissions (4):

GeneDx
Classification: Uncertain significance. Last evaluated: 2025-05-30. Review status: criteria provided, single submitter. Criteria: GeneDx Variant Classification Process June 2021. Collection method: clinical testing. Allele origin: germline.
Comment: In silico analysis suggests that this missense variant does not alter protein structure/function; Has not been previously published as pathogenic or benign to our knowledge

Labcorp Genetics (formerly Invitae), Labcorp
Classification: Uncertain significance for Nemaline myopathy 10. Last evaluated: 2022-10-20. Review status: criteria provided, single submitter. Criteria: Invitae Variant Classification Sherloc (09022015). Collection method: clinical testing. Allele origin: germline.
Comment: This sequence change replaces glutamic acid, which is acidic and polar, with aspartic acid, which is acidic and polar, at codon 151 of the LMOD3 protein (p.Glu151Asp). This variant is present in population databases (rs376142558, gnomAD 0.03%). This variant has not been reported in the literature in individuals affected with LMOD3-related conditions. ClinVar contains an entry for this variant (Variation ID: 567348). Algorithms developed to predict the effect of missense changes on protein structure and function output the following: SIFT: "Tolerated"; PolyPhen-2: "Benign"; Align-GVGD: "Class C0". The aspartic acid amino acid residue is found in multiple mammalian species, which suggests that this missense change does not adversely affect protein function. In summary, the available evidence is currently insufficient to determine the role of this variant in disease. Therefore, it has been classified as a Variant of Uncertain Significance.

Fulgent Genetics
Classification: Uncertain significance for Nemaline myopathy 10. Last evaluated: 2022-02-16. Review status: criteria provided, single submitter. Criteria: ACMG Guidelines, 2015. Collection method: clinical testing. Allele origin: unknown.

Breakthrough Genomics
Classification: Uncertain significance. Review status: criteria provided, single submitter. Criteria: ACMG Guidelines, 2015. Collection method: not provided. Allele origin: germline. Inheritance: Autosomal recessive inheritance. Affected: yes.

NM_198271.5(LMOD3):c.453A>T (p.Glu151Asp)

Gene: LMOD3 (leiomodin 3; minus strand). Cytogenetic location: 3p14.1.
Variant type: single nucleotide variant.
Coding change: c.453A>T on transcript NM_198271.5 (MANE Select); coding-DNA position 453, A replaced by T.
Protein change: p.Glu151Asp; replaces glutamic acid 151 with aspartic acid.
Molecular consequence: missense variant.
Genome position (GRCh38, 1-based): chr3:69,119,902, T>A on the plus strand (A>T on the coding strand, the complement: LMOD3 is on the minus strand). VCF-style: chr3-69119902-T-A. GRCh37 (hg19) VCF-style: chr3-69169053-T-A.
Other names: c.453A>T, p.Glu151Asp (NM_001304418.3); short protein forms E151D.
Identifiers: ClinVar variation 567348 (VCV000567348.8), dbSNP rs376142558, ClinGen allele CA2488983.
Genomic context (GRCh38, chr3:69,119,902, plus strand): 5'-TCTGTTCGTTTCTTCACTCTCTTCACCATCATCTTCTCCTTCGTCGTCATCATCATCATC[T>A]TCTTCTTCTTCATCTTCTTCATCTGTTTCTTGGATATTGCTGCTGCCCTTTGATTCTCTT-3'
Protein context (NP_938012.2, residues 141-161): QETDEEDEEE[Glu151Asp]DDDDDDEGED